The following is an entry in ClinVar:

NM_001148.6(ANK2):c.799A>C (p.Ile267Leu)

Gene: ANK2 (ankyrin 2; plus strand). Cytogenetic location: 4q26.
Variant type: single nucleotide variant.
Coding change: c.799A>C on transcript NM_001148.6 (MANE Select); coding-DNA position 799, A replaced by C.
Protein change: p.Ile267Leu; replaces isoleucine 267 with leucine.
Molecular consequence: missense variant.
Genome position (GRCh38, 1-based): chr4:113,242,117, A>C. VCF-style: chr4-113242117-A-C. GRCh37 (hg19) VCF-style: chr4-114163273-A-C.
Other names: c.736A>C, p.Ile246Leu (NM_001127493.3, NM_001354239.2, NM_001354243.2 and 14 more transcripts); c.799A>C, p.Ile267Leu (NM_001354225.2, NM_001354228.2, NM_001354232.2 and 9 more transcripts); c.844A>C, p.Ile282Leu (NM_001354230.2, NM_001354231.2, NM_001354237.2 and 5 more transcripts); c.712A>C, p.Ile238Leu (NM_001354249.2, NM_001354260.2, NM_001354264.2 and 16 more transcripts); c.757A>C, p.Ile253Leu (NM_001354261.2, NM_001386147.1, NM_001386160.1); c.787A>C, p.Ile263Leu (NM_001354269.3, NM_001386148.2, NM_001386186.2); c.850A>C, p.Ile284Leu (NM_001386174.1); c.826A>C, p.Ile276Leu (NM_001386175.1); and 1 more; short protein forms I238L, I246L, I253L, I255L, I263L, I267L, I276L, I282L.
Identifiers: ClinVar variation 1695772 (VCV001695772.3), dbSNP rs2153573358, ClinGen allele CA357919346.

ClinVar aggregate classification (germline): Likely pathogenic (1 of 4 stars; one submission).

Submission:

GeneDx
Classification: Likely pathogenic. Last evaluated: 2024-08-05. Review status: criteria provided, single submitter. Criteria: GeneDx Variant Classification Process June 2021. Collection method: clinical testing. Allele origin: germline. Affected: yes.
Comment: Not observed at significant frequency in large population cohorts (gnomAD); In silico analysis supports that this missense variant does not alter protein structure/function; Has not been previously published as pathogenic or benign to our knowledge